The following is an entry in ClinVar:

NM_001379200.1(TBX1):c.263C>T (p.Ala88Val)

Gene: TBX1 (T-box transcription factor 1; plus strand). Cytogenetic location: 22q11.21.
Variant type: single nucleotide variant.
Coding change: c.263C>T on transcript NM_001379200.1 (MANE Select); coding-DNA position 263, C replaced by T.
Protein change: p.Ala88Val; replaces alanine 88 with valine.
Molecular consequence: missense variant.
Genome position (GRCh38, 1-based): chr22:19,761,106, C>T. VCF-style: chr22-19761106-C-T. GRCh37 (hg19) VCF-style: chr22-19748629-C-T.
Other names: c.236C>T, p.Ala79Val (NM_005992.1, NM_080646.2, NM_080647.1); short protein forms A79V, A88V.
Identifiers: ClinVar variation 4804551 (VCV004804551.1).
Genomic context (GRCh38, chr22:19,761,106, plus strand): 5'-GCGCCCCGGGCCCGCCGCCGCCGCCGCACGCCTACCCGTTTGCGCCGGCCGCCGGGGCCG[C>T]CACCAGCGCCGCCGCCGAGCCCGAGGGCCCCGGGGCCAGCTGCGCGGCCGCAGCCAAGGC-3'
Protein context (NP_001366129.1, residues 78-98): AYPFAPAAGA[Ala88Val]TSAAAEPEGP

ClinVar aggregate classification (germline): Uncertain significance (1 of 4 stars; one submission).

Conditions:
DiGeorge syndrome. Also called: THIRD AND FOURTH PHARYNGEAL POUCH SYNDROME; Catch22. Identifiers: Orphanet 567, MedGen C0012236, MONDO:0008564, OMIM 188400.

Submission:

Labcorp Genetics (formerly Invitae), Labcorp
Classification: Uncertain significance for DiGeorge syndrome. Last evaluated: 2025-09-07. Review status: criteria provided, single submitter. Criteria: Invitae Variant Classification Sherloc (09022015). Collection method: clinical testing. Allele origin: germline.
Comment: This sequence change replaces alanine, which is neutral and non-polar, with valine, which is neutral and non-polar, at codon 79 of the TBX1 protein (p.Ala79Val). This variant is not present in population databases (gnomAD no frequency). This variant has not been reported in the literature in individuals affected with TBX1-related conditions. Invitae Evidence Modeling of protein sequence and biophysical properties (such as structural, functional, and spatial information, amino acid conservation, physicochemical variation, residue mobility, and thermodynamic stability) indicates that this missense variant is not expected to disrupt TBX1 protein function with a negative predictive value of 80%. In summary, the available evidence is currently insufficient to determine the role of this variant in disease. Therefore, it has been classified as a Variant of Uncertain Significance.